The following is an entry in ClinVar:

NM_173660.5(DOK7):c.838C>T (p.Arg280Trp)

Gene: DOK7 (docking protein 7; plus strand). Cytogenetic location: 4p16.3.
Variant type: single nucleotide variant.
Coding change: c.838C>T on transcript NM_173660.5 (MANE Select); coding-DNA position 838, C replaced by T.
Protein change: p.Arg280Trp; replaces arginine 280 with tryptophan.
Molecular consequence: missense variant. On other transcripts: 3 prime UTR variant (1), 5 prime UTR variant (1).
Genome position (GRCh38, 1-based): chr4:3,492,824, C>T. VCF-style: chr4-3492824-C-T. GRCh37 (hg19) VCF-style: chr4-3494551-C-T.
Other names: c.*59C>T (NM_001164673.2); c.-93C>T (NM_001256896.2); c.838C>T, p.Arg280Trp (NM_001301071.2); c.406C>T, p.Arg136Trp (NM_001363811.2); short protein forms R136W, R280W.
Identifiers: ClinVar variation 863963 (VCV000863963.10), dbSNP rs139573161, ClinGen allele CA2829245.

ClinVar aggregate classification (germline): Uncertain significance. Review status: criteria provided, multiple submitters, no conflicts (2 of 4 stars). 3 submissions from 3 submitters: Uncertain significance (3). Last evaluated 2025-09-08.

Conditions:
Congenital myasthenic syndrome 10. Also called: Myasthenia, limb-girdle, familial. Identifiers: Orphanet 590, MedGen C1850792, MONDO:0009690, OMIM 254300.
Fetal akinesia deformation sequence 1 (FADS1). Also called: Pena-Shokeir syndrome type I; Fetal akinesia sequence. Identifiers: Orphanet 994, MedGen C1276035, MONDO:0100101, OMIM 208150, HP:0001989.
Inborn genetic diseases. Identifiers: MedGen C0950123, MeSH D030342.

Allele frequency attached by ClinVar (database versions not stated): TOPMed 0.00003; gnomAD exomes 0.00005 and 0.00008; gnomAD 0.00007 and 0.00009; ESP Exome Variant Server 0.00008; ExAC 0.00009.

Submissions (3):

Labcorp Genetics (formerly Invitae), Labcorp
Classification: Uncertain significance for Congenital myasthenic syndrome 10; Fetal akinesia deformation sequence 1. Last evaluated: 2025-09-08. Review status: criteria provided, single submitter. Criteria: Invitae Variant Classification Sherloc (09022015). Collection method: clinical testing. Allele origin: germline.
Comment: This sequence change replaces arginine, which is basic and polar, with tryptophan, which is neutral and slightly polar, at codon 280 of the DOK7 protein (p.Arg280Trp). This variant is present in population databases (rs139573161, gnomAD 0.01%). This variant has not been reported in the literature in individuals affected with DOK7-related conditions. ClinVar contains an entry for this variant (Variation ID: 863963). Invitae Evidence Modeling of protein sequence and biophysical properties (such as structural, functional, and spatial information, amino acid conservation, physicochemical variation, residue mobility, and thermodynamic stability) indicates that this missense variant is expected to disrupt DOK7 protein function with a positive predictive value of 80%. In summary, the available evidence is currently insufficient to determine the role of this variant in disease. Therefore, it has been classified as a Variant of Uncertain Significance.

GeneDx
Classification: Uncertain significance. Last evaluated: 2025-06-24. Review status: criteria provided, single submitter. Criteria: GeneDx Variant Classification Process June 2021. Collection method: clinical testing. Allele origin: germline. Affected: yes.
Comment: Not observed at significant frequency in large population cohorts (gnomAD); In silico analysis supports that this missense variant has a deleterious effect on protein structure/function; Has not been previously published as pathogenic or benign to our knowledge

Ambry Genetics
Classification: Uncertain significance for Inborn genetic diseases. Last evaluated: 2024-09-27. Review status: criteria provided, single submitter. Criteria: Ambry Variant Classification Scheme 2023. Collection method: clinical testing. Allele origin: germline.